The following is an entry in ClinVar:

ClinVar aggregate classification (germline): Uncertain significance (1 of 4 stars; one submission).

Conditions:
KSR2-related disorder. Also called: KSR2-related condition.

gnomAD v4.1: 1 of 1,605,452 alleles (0.000062%); highest among the groups gnomAD compares: Non-Finnish European, 0.000085%; no homozygotes.

Submission:

PreventionGenetics, part of Exact Sciences
Classification: Uncertain significance for KSR2-related condition. Last evaluated: 2025-05-21. Review status: criteria provided, single submitter. Criteria: ACMG Guidelines, 2015. Collection method: clinical testing. Allele origin: germline.
Comment: The KSR2 c.71A>G variant is predicted to result in the amino acid substitution p.Gln24Arg. To our knowledge, this variant has not been reported in the literature or in a large population database (gnomAD), indicating this variant is rare. At this time, the clinical significance of this variant is uncertain due to the absence of conclusive functional and genetic evidence.

NM_173598.6(KSR2):c.158A>G (p.Gln53Arg)

Gene: KSR2 (kinase suppressor of ras 2; minus strand). Cytogenetic location: 12q24.23.
Variant type: single nucleotide variant.
Coding change: c.158A>G on transcript NM_173598.6 (MANE Select); coding-DNA position 158, A replaced by G.
Protein change: p.Gln53Arg; replaces glutamine 53 with arginine.
Molecular consequence: missense variant.
Genome position (GRCh38, 1-based): chr12:117,968,098, T>C on the plus strand (A>G on the coding strand, the complement: KSR2 is on the minus strand). VCF-style: chr12-117968098-T-C. GRCh37 (hg19) VCF-style: chr12-118405903-T-C.
Other names: short protein forms Q53R.
Identifiers: ClinVar variation 4982889 (VCV004982889.1).